The following is an entry in ClinVar:

NM_024675.4(PALB2):c.2202T>G (p.Thr734=)

Gene: PALB2 (partner and localizer of BRCA2; minus strand). Cytogenetic location: 16p12.2.
Variant type: single nucleotide variant.
Coding change: c.2202T>G on transcript NM_024675.4 (MANE Select); coding-DNA position 2202, T replaced by G.
Protein change: p.Thr734=; no amino-acid change (threonine 734 retained).
Molecular consequence: synonymous variant.
Genome position (GRCh38, 1-based): chr16:23,629,952, A>C on the plus strand (T>G on the coding strand, the complement: PALB2 is on the minus strand). VCF-style: chr16-23629952-A-C. GRCh37 (hg19) VCF-style: chr16-23641273-A-C.
Identifiers: ClinVar variation 486007 (VCV000486007.11), dbSNP rs1278216949, ClinGen allele CA494461108.

ClinVar aggregate classification (germline): Benign/Likely benign. Review status: criteria provided, multiple submitters, no conflicts (2 of 4 stars). 4 submissions from 4 submitters: Benign (1); Likely benign (3). Last evaluated 2025-07-25.

Conditions:
Hereditary cancer-predisposing syndrome. Also called: Tumor predisposition; Hereditary Cancer Syndrome; Hereditary neoplastic syndrome; Neoplastic Syndromes, Hereditary. Identifiers: Orphanet 140162, MedGen C0027672, MeSH D009386, MONDO:0015356.
Familial cancer of breast. Also called: hereditary breast carcinoma; BREAST CANCER, FAMILIAL; Hereditary breast cancer. Identifiers: Orphanet 227535, MedGen C0346153, MONDO:0016419, OMIM 114480. Disease mechanism: loss of function.

Allele frequency attached by ClinVar (database versions not stated): gnomAD exomes below 0.00001.
gnomAD v4.1: 3 of 1,614,192 alleles (0.00019%); highest among the groups gnomAD compares: Non-Finnish European, 0.00025%; no homozygotes.

Submissions (4):

Labcorp Genetics (formerly Invitae), Labcorp
Classification: Likely benign for Familial cancer of breast. Last evaluated: 2025-07-25. Review status: criteria provided, single submitter. Criteria: Invitae Variant Classification Sherloc (09022015). Collection method: clinical testing. Allele origin: germline.

Myriad Genetics, Inc.
Classification: Benign for Familial cancer of breast. Last evaluated: 2025-01-15. Review status: criteria provided, single submitter. Criteria: Myriad Autosomal Dominant, Autosomal Recessive and X-Linked Classification Criteria (2023). Collection method: clinical testing. Allele origin: unknown.
Comment: This variant is considered benign. This variant is a silent/synonymous amino acid change and it is not expected to impact splicing.

Color Diagnostics, LLC DBA Color Health
Classification: Likely benign for Hereditary cancer-predisposing syndrome. Last evaluated: 2017-02-10. Review status: criteria provided, single submitter. Criteria: ACMG Guidelines, 2015. Collection method: clinical testing. Allele origin: germline.

Ambry Genetics
Classification: Likely benign for Hereditary cancer-predisposing syndrome. Last evaluated: 2016-06-17. Review status: criteria provided, single submitter. Criteria: Ambry Variant Classification Scheme 2023. Collection method: clinical testing. Allele origin: germline.